The following is an entry in ClinVar:

ClinVar aggregate classification (germline): Likely benign. Review status: criteria provided, multiple submitters, no conflicts (2 of 4 stars). 4 submissions from 4 submitters: Likely benign (4). Last evaluated 2025-12-26.

Conditions:
Cardiovascular phenotype. Identifiers: MedGen CN230736.
Dilated cardiomyopathy 1KK (CMD1KK). Identifiers: Orphanet 154, Orphanet 75249, MedGen C3714995, MONDO:0014100, OMIM 615248.
MYPN-related disorder. Also called: MYPN-related condition.

Allele frequency attached by ClinVar (database versions not stated): gnomAD exomes 0.00001 and 0.00002; ExAC 0.00003; TOPMed 0.00008; gnomAD 0.00013 and 0.00016.
gnomAD v4.1: 26 of 1,613,572 alleles (0.0016%); highest among the groups gnomAD compares: African/African-American, 0.035%; no homozygotes.

Submissions (4):

Labcorp Genetics (formerly Invitae), Labcorp
Classification: Likely benign for Dilated cardiomyopathy 1KK. Last evaluated: 2025-12-26. Review status: criteria provided, single submitter. Criteria: Invitae Variant Classification Sherloc (09022015). Collection method: clinical testing. Allele origin: germline.

PreventionGenetics, part of Exact Sciences
Classification: Likely benign for MYPN-related condition. Last evaluated: 2025-10-02. Review status: criteria provided, single submitter. Criteria: ACMG Guidelines, 2015. Collection method: clinical testing. Allele origin: germline.
Comment: This variant is classified as likely benign based on ACMG/AMP sequence variant interpretation guidelines (Richards et al. 2015 PMID: 25741868, with internal and published modifications).

Women's Health and Genetics/Laboratory Corporation of America, LabCorp
Classification: Likely benign. Last evaluated: 2025-02-10. Review status: criteria provided, single submitter. Criteria: LabCorp Variant Classification Summary - May 2015. Collection method: clinical testing. Allele origin: germline.

Ambry Genetics
Classification: Likely benign for Cardiovascular phenotype. Last evaluated: 2018-12-18. Review status: criteria provided, single submitter. Criteria: Ambry Variant Classification Scheme 2023. Collection method: clinical testing. Allele origin: germline.

NM_032578.4(MYPN):c.2976C>T (p.Cys992=)

Gene: MYPN (myopalladin; plus strand). Cytogenetic location: 10q21.3.
Variant type: single nucleotide variant.
Coding change: c.2976C>T on transcript NM_032578.4 (MANE Select); coding-DNA position 2976, C replaced by T.
Protein change: p.Cys992=; no amino-acid change (cysteine 992 retained).
Molecular consequence: synonymous variant. On other transcripts: non-coding transcript variant (2).
Genome position (GRCh38, 1-based): chr10:68,194,413, C>T. VCF-style: chr10-68194413-C-T. GRCh37 (hg19) VCF-style: chr10-69954170-C-T.
Other names: c.2976C>T, p.Cys992= (NM_001256267.2); c.2094C>T, p.Cys698= (NM_001256268.2).
Identifiers: ClinVar variation 544050 (VCV000544050.15), dbSNP rs768202837, ClinGen allele CA5522914.